The following continues an entry in ClinVar:

NM_000059.4(BRCA2):c.9253del (p.Thr3085fs)

Gene: BRCA2. ClinVar aggregate classification (germline): Pathogenic. Pathogenic (1).

Submissions 11 to 15 of 15:

Women's Health and Genetics/Laboratory Corporation of America, LabCorp
Classification: Pathogenic for Hereditary breast ovarian cancer syndrome. Last evaluated: 2022-03-28. Review status: criteria provided, single submitter. Criteria: LabCorp Variant Classification Summary - May 2015. Collection method: clinical testing. Allele origin: germline. Not counted in ClinVar's aggregate classification.
Comment: Variant summary: BRCA2 c.9253delA (p.Thr3085GlnfsX19) results in a premature termination codon, predicted to cause a truncation of the encoded protein or absence of the protein due to nonsense mediated decay, which are commonly known mechanisms for disease. This variant is also known as c.9481delA. Truncations downstream of this position have been classified as pathogenic by our laboratory. The variant was absent in 248582 control chromosomes (gnomAD). c.9253delA has been reported in the literature in individuals affected with Hereditary Breast And/or Ovarian Cancer (example: Kang_2017). These data indicate that the variant is likely to be associated with disease. Nine submitters including an expert panel (ENIGMA) have submitted clinical-significance assessments for this variant to ClinVar after 2014 and all classified the variant as pathogenic. Based on the evidence outlined above, the variant was classified as pathogenic.

Mayo Clinic Laboratories, Mayo Clinic
Classification: Pathogenic. Last evaluated: 2019-04-25. Review status: criteria provided, single submitter. Criteria: ACMG Guidelines, 2015. Collection method: clinical testing. Allele origin: germline. Observed: 1 variant allele. Not counted in ClinVar's aggregate classification.
Comment: PVS1, PM2, PP4, PP5

Laboratory for Molecular Medicine, Mass General Brigham Personalized Medicine
Classification: Pathogenic for Hereditary breast ovarian cancer syndrome. Last evaluated: 2017-01-27. Review status: criteria provided, single submitter. Criteria: LMM Criteria. Collection method: clinical testing. Allele origin: germline. Observed: 2 variant alleles. Not counted in ClinVar's aggregate classification.
Comment: The p.Thr3085fs variant in BRCA2 has been reported in at least 7 individuals wit h BRCA2-associated cancers (Kim 2012, Son 2012, Ou 2013, Kang 2015 ) and was abs ent from large population studies. This variant is predicted to cause a frameshi ft, which alters the protein?s amino acid sequence beginning at position 3085 an d leads to a premature termination codon 19 amino acids downstream. This alterat ion is then predicted to lead to a truncated or absent protein. Heterozygous los s of function of the BRCA2 gene is an established disease mechanism in hereditar y breast and ovarian cancer (HBOC). In addition, this variant was classified as Pathogenic on October 18, 2016 by the ClinGen-approved ENIGMA expert panel (Clin Var SCV000324753.1). In summary, this variant meets criteria to be classified as pathogenic for HBOC in an autosomal dominant manner.

Consortium of Investigators of Modifiers of BRCA1/2 (CIMBA), c/o University of Cambridge
Classification: Pathogenic for Breast-ovarian cancer, familial, susceptibility to, 2. Last evaluated: 2015-10-02. Review status: criteria provided, single submitter. Criteria: CIMBA Mutation Classification guidelines May 2016. Collection method: clinical testing. Allele origin: germline. Not counted in ClinVar's aggregate classification.

Center of Medical Genetics and Primary Health Care
Classification: Pathogenic for Breast-ovarian cancer, familial 2. Last evaluated: 2020-04-08. Review status: no assertion criteria provided. Collection method: research. Allele origin: germline. Affected: yes. Observed: 1 heterozygote. Not counted in ClinVar's aggregate classification.
Comment: The BRCA2 variant p.Thr3085Glnfs is a known pathogenic variant in exon 23 in the Nucleic acid-binding OB-fold (T2968-3184L aa) domain and in a mutation hotspot of 16 pathogenic variants (PM1 Pathogenic Moderate). This frameshift variant disrupts the function of the domain (PVS1 Pathogenic Very Strong). This variant is not found in GnomAD exomes neither in GnomAD genomes (PM2 Pathogenic Moderate). 1 pathogenic prediction from GERP versus no benign predictions supports its deleterious effect (PP3 Pathogenic Supporting). The variant has been classified as pathogenic by the ClinGen-approved ENIGMA expert panel (ClinVar SCV000324753.1) (PP5 Pathogenic Supporting).

Literature cited by the submitters: PubMed 20104584 (cited by Labcorp Genetics (formerly Invitae), Labcorp and GeneKor MSA); PubMed 22382806 (cited by 7 submitters); PubMed 23593081 (cited by 7 submitters); PubMed 25863477 (cited by 7 submitters); PubMed 22798144 (cited by Ambry Genetics and Laboratory for Molecular Medicine, Mass General Brigham Personalized Medicine); PubMed 28205045 (cited by 4 submitters); PubMed 31853058 (cited by Color Diagnostics, LLC DBA Color Health); PubMed 33471991 (cited by Color Diagnostics, LLC DBA Color Health); PubMed 36980780 (cited by Color Diagnostics, LLC DBA Color Health and Quest Diagnostics Nichols Institute San Juan Capistrano); PubMed 37239058 (cited by Color Diagnostics, LLC DBA Color Health and Quest Diagnostics Nichols Institute San Juan Capistrano); PubMed 37118955 (cited by Quest Diagnostics Nichols Institute San Juan Capistrano).